The following is an entry in ClinVar:

NM_000245.4(MET):c.207C>T (p.Tyr69=)

Gene: MET (MET proto-oncogene, receptor tyrosine kinase; plus strand). Cytogenetic location: 7q31.2.
Variant type: single nucleotide variant.
Coding change: c.207C>T on transcript NM_000245.4 (MANE Select); coding-DNA position 207, C replaced by T.
Protein change: p.Tyr69=; no amino-acid change (tyrosine 69 retained).
Molecular consequence: synonymous variant. On other transcripts: intron variant (1).
Genome position (GRCh38, 1-based): chr7:116,699,291, C>T. VCF-style: chr7-116699291-C-T. GRCh37 (hg19) VCF-style: chr7-116339345-C-T.
Other names: c.207C>T, p.Tyr69= (NM_001127500.3, NM_001324401.3); c.-91+26714C>T (NM_001324402.2); c.207C>T (NM_001127500.1).
Identifiers: ClinVar variation 1631342 (VCV001631342.10), dbSNP rs1454856933, ClinGen allele CA457447997.
Genomic context (GRCh38, chr7:116,699,291, plus strand): 5'-AACACCCATCCAGAATGTCATTCTACATGAGCATCACATTTTCCTTGGTGCCACTAACTA[C>T]ATTTATGTTTTAAATGAGGAAGACCTTCAGAAGGTTGCTGAGTACAAGACTGGGCCTGTG-3'
Protein context (NP_000236.2, residues 59-79): EHHIFLGATN[Tyr69=]IYVLNEEDLQ

ClinVar aggregate classification (germline): Benign/Likely benign. Review status: criteria provided, multiple submitters, no conflicts (2 of 4 stars). 3 submissions from 3 submitters: Benign (1); Likely benign (2). Last evaluated 2025-09-24.

Conditions:
Hereditary cancer-predisposing syndrome. Also called: Neoplastic Syndromes, Hereditary; Tumor predisposition; Hereditary Cancer Syndrome; Hereditary neoplastic syndrome. Identifiers: Orphanet 140162, MedGen C0027672, MeSH D009386, MONDO:0015356.
Renal cell carcinoma. Identifiers: Orphanet 217071, MedGen C0007134, MeSH D002292, MONDO:0005086, HP:0005584.
Papillary renal cell carcinoma type 1 (RCCP1). Also called: Renal adenocarcinoma; Renal cell carcinoma 1; Renal cell carcinoma, somatic; RENAL CELL CARCINOMA, PAPILLARY, 1, SOMATIC. Identifiers: Orphanet 47044, MedGen C1336839, OMIM 605074, HP:0011797.

Allele frequency attached by ClinVar (database versions not stated): gnomAD exomes below 0.00001; TOPMed below 0.00001.
gnomAD v4.1: 1 of 1,614,026 alleles (0.000062%); highest among the groups gnomAD compares: Non-Finnish European, 0.000085%; no homozygotes.

Submissions (3):

Labcorp Genetics (formerly Invitae), Labcorp
Classification: Likely benign for Renal cell carcinoma. Last evaluated: 2025-09-24. Review status: criteria provided, single submitter. Criteria: Invitae Variant Classification Sherloc (09022015). Collection method: clinical testing. Allele origin: germline.

Myriad Genetics, Inc.
Classification: Benign for Papillary renal cell carcinoma type 1. Last evaluated: 2024-11-06. Review status: criteria provided, single submitter. Criteria: Myriad Autosomal Dominant, Autosomal Recessive and X-Linked Classification Criteria (2023). Collection method: clinical testing. Allele origin: unknown.
Comment: This variant is considered benign. This variant is a silent/synonymous amino acid change and it is not expected to impact splicing.

Ambry Genetics
Classification: Likely benign for Hereditary cancer-predisposing syndrome. Last evaluated: 2023-01-30. Review status: criteria provided, single submitter. Criteria: Ambry Variant Classification Scheme 2023. Collection method: clinical testing. Allele origin: germline.